The following is an entry in ClinVar:

ClinVar aggregate classification (germline): Likely benign. Review status: criteria provided, multiple submitters, no conflicts (2 of 4 stars). 6 submissions from 6 submitters: Likely benign (5). 1 of the submissions does not count toward it. Last evaluated 2026-06-01.

Conditions:
MITF-related disorder. Also called: MITF-related condition.
Hereditary cancer-predisposing syndrome. Also called: Hereditary Cancer Syndrome; Tumor predisposition; Neoplastic Syndromes, Hereditary; Hereditary neoplastic syndrome. Identifiers: Orphanet 140162, MedGen C0027672, MeSH D009386, MONDO:0015356.
Tietz syndrome (TADS). Also called: ALBINISM-DEAFNESS OF TIETZ; HYPOPIGMENTATION/DEAFNESS OF TIETZ; TIETZ ALBINISM-DEAFNESS SYNDROME. Identifiers: Orphanet 42665, MedGen C0391816, MONDO:0007077, OMIM 103500.
Waardenburg syndrome type 2A (WS2A). Also called: WAARDENBURG SYNDROME WITHOUT DYSTOPIA CANTHORUM. Identifiers: Orphanet 3440, MedGen C1860339, MONDO:0008671, OMIM 193510.
Melanoma, cutaneous malignant, susceptibility to, 8. Also called: MELANOMA AND RENAL CELL CARCINOMA, SUSCEPTIBILITY TO; Cutaneous malignant melanoma 8. Identifiers: Orphanet 293822, MedGen C3152204, MONDO:0013759, OMIM 614456.

Allele frequency attached by ClinVar (database versions not stated): ExAC 0.00002; gnomAD 0.00004 and 0.00005; gnomAD exomes 0.00005 and 0.00008; TOPMed 0.00009.
gnomAD v4.1: 127 of 1,613,496 alleles (0.0079%); highest among the groups gnomAD compares: Non-Finnish European, 0.01%; no homozygotes.

Submissions (6):

CeGaT Center for Human Genetics Tuebingen
Classification: Likely benign. Last evaluated: 2026-06-01. Review status: criteria provided, single submitter. Criteria: CeGaT Center For Human Genetics Tuebingen Variant Classification Criteria Version 2. Collection method: clinical testing. Allele origin: germline. Affected: yes. Observed: 2 variant alleles.
Comment: MITF: BP4, BP7

Labcorp Genetics (formerly Invitae), Labcorp
Classification: Likely benign for Melanoma, cutaneous malignant, susceptibility to, 8; Waardenburg syndrome type 2A; Tietz syndrome. Last evaluated: 2026-01-11. Review status: criteria provided, single submitter. Criteria: Invitae Variant Classification Sherloc (09022015). Collection method: clinical testing. Allele origin: germline.

Ambry Genetics
Classification: Likely benign for Hereditary cancer-predisposing syndrome. Last evaluated: 2024-11-18. Review status: criteria provided, single submitter. Criteria: Ambry Variant Classification Scheme 2023. Collection method: clinical testing. Allele origin: germline.

Blueprint Genetics
Classification: Likely benign. Last evaluated: 2024-02-21. Review status: criteria provided, single submitter. Criteria: ACMG Guidelines, 2015. Collection method: clinical testing. Allele origin: germline.

Genetic Services Laboratory, University of Chicago
Classification: Likely benign. Last evaluated: 2021-08-30. Review status: criteria provided, single submitter. Criteria: ACMG Guidelines, 2015. Collection method: clinical testing. Allele origin: germline. Affected: no.

PreventionGenetics, part of Exact Sciences
Classification: Likely benign for MITF-related condition. Last evaluated: 2019-03-04. Review status: no assertion criteria provided. Collection method: clinical testing. Allele origin: germline. Not counted in ClinVar's aggregate classification.
Comment: This variant is classified as likely benign based on ACMG/AMP sequence variant interpretation guidelines (Richards et al. 2015 PMID: 25741868, with internal and published modifications).

NM_001354604.2(MITF):c.1494A>C (p.Pro498=)

Gene: MITF (melanocyte inducing transcription factor; plus strand). Cytogenetic location: 3p13.
Variant type: single nucleotide variant.
Coding change: c.1494A>C on transcript NM_001354604.2 (MANE Select); coding-DNA position 1494, A replaced by C.
Protein change: p.Pro498=; no amino-acid change (proline 498 retained).
Molecular consequence: synonymous variant.
Genome position (GRCh38, 1-based): chr3:69,965,161, A>C. VCF-style: chr3-69965161-A-C. GRCh37 (hg19) VCF-style: chr3-70014312-A-C.
Other names: c.1173A>C, p.Pro391= (NM_000248.4); c.1320A>C, p.Pro440= (NM_001184967.2, NM_001354608.2); c.1491A>C, p.Pro497= (NM_001354605.2); c.1473A>C, p.Pro491= (NM_001354606.2, NM_006722.3); c.1425A>C, p.Pro475= (NM_001354607.2); c.1155A>C, p.Pro385= (NM_198158.3); c.1476A>C, p.Pro492= (NM_198159.3); c.1428A>C, p.Pro476= (NM_198177.3); and 1 more.
Identifiers: ClinVar variation 1338052 (VCV001338052.35), dbSNP rs777982903, ClinGen allele CA2490686.